The following is an entry in ClinVar:

ClinVar aggregate classification (germline): Pathogenic. Review status: reviewed by expert panel (3 of 4 stars). 24 submissions from 22 submitters: Pathogenic (1). 23 of the submissions do not count toward it. Last evaluated 2025-02-11.

Conditions:
GP9-related disorders.
GP9-related disorder. Also called: GP9-related condition.
Macrothrombocytopenia. Identifiers: MedGen C2751260, HP:0040185.
Hereditary von Willebrand disease. Identifiers: Orphanet 903, MedGen C5703318, MONDO:0019565. Inheritance: Autosomal recessive or Autosomal dominant.
Bernard Soulier syndrome (BSS). Also called: BLEEDING DISORDER, PLATELET-TYPE, 1; PLATELET GLYCOPROTEIN Ib DEFICIENCY; Giant platelet syndrome; Hemorrhagiparous thrombocytic dystrophy; Giant platelet disease; Platelet Glycoprotein 1b, Deficiency of. Identifiers: Orphanet 274, MedGen C0005129, MeSH D001606, MONDO:0009276, OMIM 231200.
Bernard-Soulier syndrome type C. Identifiers: MedGen C1856448.
Thrombocytopenia. Identifiers: MedGen C0040034, MeSH D013921, MONDO:0002049, HP:0001873.

Allele frequency attached by ClinVar (database versions not stated): gnomAD exomes 0.00070 and 0.00048; gnomAD 0.00076 and 0.00063; TOPMed 0.00063; ExAC 0.00066.

Submissions 1 to 10 of 24:

ClinGen Platelet Disorders Variant Curation Expert Panel, ClinGen
Classification: Pathogenic for Bernard Soulier syndrome. Last evaluated: 2025-02-11. Review status: reviewed by expert panel. Criteria: ClinGen Platelet ACMG Specifications GP9 V1.0.0. Collection method: curation. Allele origin: germline. Inheritance: Autosomal recessive inheritance.
Comment: The c.182A>G (p.Asn61Ser) variant in GP9 is known for being frequently reported in BSS patients of European ancestry. It has been detected in at least 30 probands with Bernard-Soulier syndrome. At least 16 probands included in this curation have origin in Central or Northern Europe (France, Finland, Sweden, Germany, Belgium, Austria, and England). The literature supports the hypothesis of Koskela et al., which suggests that the c.182A>G (p.Asn61Ser) variant is an ancient founder mutation in this region (PMID:10227459). At least one patient with this variant had aggregation absent for ristocetin and present for all other agonists, which is highly specific for Bernard-Soulier syndrome and with full gene sequencing and del/dup analysis of all BSS genes (PP4_moderate, Department of Haematology and Transfusion Medicine, Royal North Shore Hospital, Sydney, NSW, Australia). Additionally, the patient had excessive mucocutaneous bleeding and macrothrombocytopenia which are consistent with Bernard-Soulier syndrome. At least 2 of the probands included in this curation were homozygous for the variant and were confirmed to have the variants in trans (PM3; PMIDs: 8049428, 14510954, 8856096, 10227459, 11297032). The variant has been reported to segregate with Bernard-Soulier syndrome in the proband (meeting PP4) plus 3 (>2) affected family members, all with the homozygous genotype. (PP1_strong; PMID:19404517). The Grp max filtering allele frequency in gnomAD v4.1 is 0.0008047 (1001/1179870 alleles) in the European (Non-Finnish) population, which is higher than the ClinGen PD VCEP threshold (>0.0007 for GP9), and therefore meets this criterion (BS1), however since this is a known founder variant BS1 will not be applied. The computational predictor REVEL gives a score of 0.721, which is above the ClinGen PD VCEP threshold of >0.644 and predicts a damaging effect on function (PP3). A zebrafish model made by deleting 17bps in exon 2 of gp9 using CRISPR-Cas9 demonstrated thrombocytopenia and abnormal bleeding. The thrombocytopenia phenotype in the zebrafish was rescued using a wild-type copy of human GP9. The human copy of GP9 containing the c.182A>G variant failed to rescue the same phenotype, indicating that this variant impacts protein function (PMID:34407604)(PS3_Supporting). In summary, this variant meets the criteria to be classified as pathogenic for autosomal recessive Bernard-Soulier syndrome based on the ACMG/AMP criteria applied, as specified by the ClinGen PD VCEP: PM3, PP3, PP4_moderate, PP1_Strong, PS3_Supporting. (VCEP specifications version 1)

PreventionGenetics, part of Exact Sciences
Classification: Pathogenic for GP9-related condition. Last evaluated: 2026-02-05. Review status: criteria provided, single submitter. Criteria: ACMG Guidelines, 2015. Collection method: clinical testing. Allele origin: germline. Not counted in ClinVar's aggregate classification.
Comment: The GP9 c.182A>G variant is predicted to result in the amino acid substitution p.Asn61Ser. This variant, also described as p.Asn45Ser in the literature, has been reported in the homozygous or compound heterozygous states in multiple individuals with Bernard-Soulier syndrome (Wright et al. 1993. PubMed ID: 8481514; Clemetson et al. 1994. PubMed ID: 8049428; Liang et al. 2005. PubMed ID: 16268478; Romasko et al. 2018. PubMed ID: 28960434; Saes et al. 2019. PubMed ID: 30431218). This variant is reported in 0.095% of alleles in individuals of European (Non-Finnish) descent in gnomAD. This variant is interpreted as pathogenic.

GeneDx
Classification: Pathogenic. Last evaluated: 2026-01-23. Review status: criteria provided, single submitter. Criteria: GeneDx Variant Classification Process June 2021. Collection method: clinical testing. Allele origin: germline. Not counted in ClinVar's aggregate classification.
Comment: In silico analysis supports that this missense variant has a deleterious effect on protein structure/function; Also known as N45S; In silico analysis suggests this variant may impact gene splicing. In the absence of RNA/functional studies, the actual effect of this sequence change is unknown.; This variant is associated with the following publications: (PMID: 25370924, 14510954, 8049428, 31064749, 8481514, 28131619, 28765788, 28960434, 30431218, 31980526, 32581362, 31589614, 33553065, 24934643, 37647632, 27934591)

Labcorp Genetics (formerly Invitae), Labcorp
Classification: Pathogenic. Last evaluated: 2025-12-31. Review status: criteria provided, single submitter. Criteria: Invitae Variant Classification Sherloc (09022015). Collection method: clinical testing. Allele origin: germline. Not counted in ClinVar's aggregate classification.
Comment: This sequence change replaces asparagine, which is neutral and polar, with serine, which is neutral and polar, at codon 61 of the GP9 protein (p.Asn61Ser). This variant is present in population databases (rs5030764, gnomAD 0.09%), and has an allele count higher than expected for a pathogenic variant. This missense change has been observed in individuals with Bernard-Soulier syndrome (PMID: 8481514, 14510954, 25370924, 28131619, 28765788). It has also been observed to segregate with disease in related individuals. This variant is also known as Asn45Ser. ClinVar contains an entry for this variant (Variation ID: 13529). An algorithm developed to predict the effect of missense changes on protein structure and function (PolyPhen-2) suggests that this variant is likely to be disruptive. For these reasons, this variant has been classified as Pathogenic.

Mayo Clinic Laboratories, Mayo Clinic
Classification: Pathogenic. Last evaluated: 2025-11-20. Review status: criteria provided, single submitter. Criteria: ACMG Guidelines, 2015. Collection method: clinical testing. Allele origin: germline. Observed: 3 variant alleles. Not counted in ClinVar's aggregate classification.
Comment: PP1_strong, PP3, PP5, PM3_strong, PS3_supporting, PS4_moderate

North West Genomic Laboratory Hub, Manchester University NHS Foundation Trust
Classification: Likely pathogenic for von Willebrand disease. Last evaluated: 2025-11-06. Review status: criteria provided, single submitter. Criteria: ACGS Best Practice Guidelines for Variant Classification in Rare Disease 2024. Collection method: clinical testing. Allele origin: germline. Affected: yes. Not counted in ClinVar's aggregate classification.
Comment: PP3_Supp PM2_Mod PM3_Mod PP1_Mod

Women's Health and Genetics/Laboratory Corporation of America, LabCorp
Classification: Pathogenic for Bernard Soulier syndrome. Last evaluated: 2025-03-19. Review status: criteria provided, single submitter. Criteria: LabCorp Variant Classification Summary - May 2015. Collection method: clinical testing. Allele origin: germline. Not counted in ClinVar's aggregate classification.
Comment: Variant summary: GP9 c.182A>G (p.Asn61Ser) results in a conservative amino acid change in the encoded protein sequence. Four of five in-silico tools predict a damaging effect of the variant on protein function. The variant allele was found at a frequency of 0.00048 in 248302 control chromosomes (gnomAD). This frequency is not significantly higher than estimated for a pathogenic variant in GP9 causing Bernard Soulier Syndrome (0.00048 vs 0.00074), allowing no conclusion about variant significance. c.182A>G has been reported in the literature in multiple individuals affected with Bernard Soulier Syndrome (e.g. Sachs_2003). These data indicate that the variant is very likely to be associated with disease. The following publication has been ascertained in the context of this evaluation (PMID: 14510954). ClinVar contains an entry for this variant (Variation ID: 13529). Based on the evidence outlined above, the variant was classified as pathogenic.

CeGaT Center for Human Genetics Tuebingen
Classification: Pathogenic. Last evaluated: 2024-11-01. Review status: criteria provided, single submitter. Criteria: CeGaT Center For Human Genetics Tuebingen Variant Classification Criteria Version 2. Collection method: clinical testing. Allele origin: germline. Affected: yes. Observed: 3 variant alleles. Not counted in ClinVar's aggregate classification.
Comment: GP9: PM3:Very Strong, PP1:Moderate, PM2:Supporting

Blueprint Genetics
Classification: Pathogenic for GP9-related disorders. Last evaluated: 2024-10-28. Review status: criteria provided, single submitter. Criteria: ACMG Guidelines, 2015. Collection method: clinical testing. Allele origin: germline. Affected: yes. Observed: 5 variant alleles. Not counted in ClinVar's aggregate classification.

Fulgent Genetics
Classification: Pathogenic for Bernard Soulier syndrome. Last evaluated: 2024-03-07. Review status: criteria provided, single submitter. Criteria: ACMG Guidelines, 2015. Collection method: clinical testing. Allele origin: germline. Not counted in ClinVar's aggregate classification.

NM_000174.5(GP9):c.182A>G (p.Asn61Ser)

Gene: GP9 (glycoprotein IX platelet; plus strand). Cytogenetic location: 3q21.3.
Variant type: single nucleotide variant.
Coding change: c.182A>G on transcript NM_000174.5 (MANE Select); coding-DNA position 182, A replaced by G.
Protein change: p.Asn61Ser; replaces asparagine 61 with serine.
Molecular consequence: missense variant.
Genome position (GRCh38, 1-based): chr3:129,061,921, A>G. VCF-style: chr3-129061921-A-G. GRCh37 (hg19) VCF-style: chr3-128780764-A-G.
Other names: N45S; NM_000174.5(GP9):c.182A>G; short protein forms N61S.
Identifiers: ClinVar variation 13529 (VCV000013529.81), dbSNP rs5030764, ClinGen allele CA123173.